The following is an entry in ClinVar:

NM_012213.3(MLYCD):c.507G>A (p.Leu169=)

Genes: MLYCD (malonyl-CoA decarboxylase; plus strand), LOC130059555 (ATAC-STARR-seq lymphoblastoid silent region 7770; plus strand). Cytogenetic location: 16q23.3.
Variant type: single nucleotide variant.
Coding change: c.507G>A on transcript NM_012213.3 (MANE Select); coding-DNA position 507, G replaced by A.
Protein change: p.Leu169=; no amino-acid change (leucine 169 retained).
Molecular consequence: synonymous variant.
Genome position (GRCh38, 1-based): chr16:83,899,651, G>A. VCF-style: chr16-83899651-G-A. GRCh37 (hg19) VCF-style: chr16-83933256-G-A.
Identifiers: ClinVar variation 378148 (VCV000378148.40), dbSNP rs555482480, ClinGen allele CA8197253.
Genomic context (GRCh38, chr16:83,899,651, plus strand): 5'-CGGCGTGCGCTTCCTGGTGCAGCTGCGGGCCGACCTGCTGGAGGCGCAGGCCCTCAAGCT[G>A]GTGGAGGGGCCGGACGTCCGGGTAAGGGGCCGCCGTCGATCCCCCGGCAGCGCGGACTGG-3'
Protein context (NP_036345.2, residues 159-179): ADLLEAQALK[Leu169=]VEGPDVREMN

ClinVar aggregate classification (germline): Likely benign. Review status: criteria provided, multiple submitters, no conflicts (2 of 4 stars). 6 submissions from 6 submitters: Likely benign (6). Last evaluated 2026-01-22.

Conditions:
Deficiency of malonyl-CoA decarboxylase. Also called: Malonic aciduria; MCD deficiency. Identifiers: Orphanet 943, MedGen C0342793, MONDO:0009556, OMIM 248360.

Allele frequency attached by ClinVar (database versions not stated): 1000 Genomes Project 0.00040; gnomAD 0.00082 and 0.00088; gnomAD exomes 0.00103; 1000 Genomes Project 30x 0.00109; TOPMed 0.00112; ExAC 0.00125.
gnomAD v4.1: 1,298 of 1,541,348 alleles (0.084%); highest among the groups gnomAD compares: Admixed American, 0.16%; 1 homozygote.

Submissions (6):

Labcorp Genetics (formerly Invitae), Labcorp
Classification: Likely benign for Deficiency of malonyl-CoA decarboxylase. Last evaluated: 2026-01-22. Review status: criteria provided, single submitter. Criteria: Invitae Variant Classification Sherloc (09022015). Collection method: clinical testing. Allele origin: germline.

Women's Health and Genetics/Laboratory Corporation of America, LabCorp
Classification: Likely benign. Last evaluated: 2024-08-30. Review status: criteria provided, single submitter. Criteria: LabCorp Variant Classification Summary - May 2015. Collection method: clinical testing. Allele origin: germline.

Blueprint Genetics
Classification: Likely benign. Last evaluated: 2024-07-19. Review status: criteria provided, single submitter. Criteria: ACMG Guidelines, 2015. Collection method: clinical testing. Allele origin: germline.

CeGaT Center for Human Genetics Tuebingen
Classification: Likely benign. Last evaluated: 2023-05-01. Review status: criteria provided, single submitter. Criteria: CeGaT Center For Human Genetics Tuebingen Variant Classification Criteria Version 2. Collection method: clinical testing. Allele origin: germline. Affected: yes. Observed: 1 variant allele.
Comment: MLYCD: BP4, BP7

GeneDx
Classification: Likely benign. Last evaluated: 2018-05-15. Review status: criteria provided, single submitter. Criteria: GeneDx Variant Classification Process June 2021. Collection method: clinical testing. Allele origin: germline. Affected: yes.

Illumina Laboratory Services, Illumina
Classification: Likely benign for Deficiency of malonyl-CoA decarboxylase. Last evaluated: 2018-01-12. Review status: criteria provided, single submitter. Criteria: ICSL Variant Classification Criteria 13 December 2019. Collection method: clinical testing. Allele origin: germline.
Comment: This variant was observed in the ICSL laboratory as part of a predisposition screen in an ostensibly healthy population. It had not been previously curated by ICSL or reported in the Human Gene Mutation Database (HGMD: prior to June 1st, 2018), and was therefore a candidate for classification through an automated scoring system. Utilizing variant allele frequency, disease prevalence and penetrance estimates, and inheritance mode, an automated score was calculated to assess if this variant is too frequent to cause the disease. Based on the score and internal cut-off values, a variant classified as likely benign is not then subjected to further curation. The score for this variant resulted in a classification of likely benign for this disease.